The following is an entry in ClinVar:

NM_000256.3(MYBPC3):c.1518C>T (p.Asp506=)

Gene: MYBPC3 (myosin binding protein C3; minus strand). Cytogenetic location: 11p11.2.
Variant type: single nucleotide variant.
Coding change: c.1518C>T on transcript NM_000256.3 (MANE Select); coding-DNA position 1518, C replaced by T.
Protein change: p.Asp506=; no amino-acid change (aspartic acid 506 retained).
Molecular consequence: synonymous variant.
Genome position (GRCh38, 1-based): chr11:47,342,684, G>A on the plus strand (C>T on the coding strand, the complement: MYBPC3 is on the minus strand). VCF-style: chr11-47342684-G-A. GRCh37 (hg19) VCF-style: chr11-47364235-G-A.
Identifiers: ClinVar variation 42542 (VCV000042542.23), dbSNP rs397515908, ClinGen allele CA010540.

ClinVar aggregate classification (germline): Likely benign. Review status: criteria provided, multiple submitters, no conflicts (2 of 4 stars). 9 submissions from 9 submitters: Likely benign (9). Last evaluated 2026-02-01.

Conditions:
Cardiovascular phenotype. Identifiers: MedGen CN230736.
Cardiomyopathy (CMYO). Also called: Cardiomyopathies. Identifiers: Orphanet 167848, MedGen C0878544, MONDO:0004994, HP:0001638. Inheritance: Various modes of inheritance.
Hypertrophic cardiomyopathy. Also called: HYPERTROPHIC MYOCARDIOPATHY. Identifiers: Orphanet 217569, MedGen C0007194, MeSH D002312, MONDO:0005045, HP:0001639.

Allele frequency attached by ClinVar (database versions not stated): ExAC 0.00002; gnomAD exomes 0.00002 and 0.00003; gnomAD 0.00004; TOPMed 0.00004.
gnomAD v4.1: 32 of 1,613,868 alleles (0.002%); highest among the groups gnomAD compares: African/African-American, 0.0093%; no homozygotes.

Submissions (9):

CeGaT Center for Human Genetics Tuebingen
Classification: Likely benign. Last evaluated: 2026-02-01. Review status: criteria provided, single submitter. Criteria: CeGaT Center For Human Genetics Tuebingen Variant Classification Criteria Version 2. Collection method: clinical testing. Allele origin: germline. Affected: yes. Observed: 1 variant allele.
Comment: MYBPC3: BP4, BP7

Labcorp Genetics (formerly Invitae), Labcorp
Classification: Likely benign for Hypertrophic cardiomyopathy. Last evaluated: 2025-08-24. Review status: criteria provided, single submitter. Criteria: Invitae Variant Classification Sherloc (09022015). Collection method: clinical testing. Allele origin: germline.

Molecular Diagnostic Laboratory for Inherited Cardiovascular Disease, Montreal Heart Institute
Classification: Likely benign. Last evaluated: 2025-04-09. Review status: criteria provided, single submitter. Criteria: ACMG Guidelines, 2015. Collection method: clinical testing. Allele origin: germline. Affected: no.

Blueprint Genetics
Classification: Likely benign. Last evaluated: 2024-05-06. Review status: criteria provided, single submitter. Criteria: ACMG Guidelines, 2015. Collection method: clinical testing. Allele origin: germline.

All of Us Research Program, National Institutes of Health
Classification: Likely benign for Hypertrophic cardiomyopathy. Last evaluated: 2024-02-05. Review status: criteria provided, single submitter. Criteria: ACMG Guidelines, 2015. Collection method: clinical testing. Allele origin: germline. Inheritance: Autosomal dominant inheritance. Observed: 12 variant alleles, 12 heterozygotes.
Comment: This study involves interpretation of variants in research participants for the purpose of population health screening. Participant phenotype was not available at the time of variant classification. Additional details can be found in publication PMID: 35346344, PMCID: PMC8962531

Women's Health and Genetics/Laboratory Corporation of America, LabCorp
Classification: Likely benign. Last evaluated: 2023-05-22. Review status: criteria provided, single submitter. Criteria: LabCorp Variant Classification Summary - May 2015. Collection method: clinical testing. Allele origin: germline.

Ambry Genetics
Classification: Likely benign for Cardiovascular phenotype. Last evaluated: 2022-09-16. Review status: criteria provided, single submitter. Criteria: Ambry Variant Classification Scheme 2023. Collection method: clinical testing. Allele origin: germline.

Color Diagnostics, LLC DBA Color Health
Classification: Likely benign for Cardiomyopathy. Last evaluated: 2019-01-06. Review status: criteria provided, single submitter. Criteria: ACMG Guidelines, 2015. Collection method: clinical testing. Allele origin: germline.

Laboratory for Molecular Medicine, Mass General Brigham Personalized Medicine
Classification: Likely benign. Last evaluated: 2010-12-28. Review status: criteria provided, single submitter. Criteria: LMM Criteria. Collection method: clinical testing. Allele origin: germline. Observed: 2 variant alleles.
Comment: This variant is not expected to have clinical significance because it does not a lter an amino acid residue and is not located near a splice junction.